The following is an entry in ClinVar:

NM_002945.5(RPA1):c.1313G>A (p.Ser438Asn)

Gene: RPA1 (replication protein A1; plus strand). Cytogenetic location: 17p13.3.
Variant type: single nucleotide variant.
Coding change: c.1313G>A on transcript NM_002945.5 (MANE Select); coding-DNA position 1313, G replaced by A.
Protein change: p.Ser438Asn; replaces serine 438 with asparagine.
Molecular consequence: missense variant.
Genome position (GRCh38, 1-based): chr17:1,883,883, G>A. VCF-style: chr17-1883883-G-A. GRCh37 (hg19) VCF-style: chr17-1787177-G-A.
Other names: c.1274G>A, p.Ser425Asn (NM_001355120.2); c.1313G>A, p.Ser438Asn (NM_001355121.2); c.1313G>A (NM_002945.3); short protein forms S425N, S438N.
Identifiers: ClinVar variation 3234891 (VCV003234891.2), dbSNP rs199722600, ClinGen allele CA8276269.

ClinVar aggregate classification (germline): Uncertain significance. Review status: criteria provided, multiple submitters, no conflicts (2 of 4 stars). 2 submissions from 2 submitters: Uncertain significance (2). Last evaluated 2024-11-11.

Conditions:
Pulmonary fibrosis and/or bone marrow failure, telomere-related, 6 (PFBMFT6). Also called: PULMONARY FIBROSIS AND/OR BONE MARROW FAILURE SYNDROME, TELOMERE-RELATED, 6. Identifiers: MedGen C5676927, MONDO:0030690, OMIM 619767.

Allele frequency attached by ClinVar (database versions not stated): gnomAD exomes 0.00001; ExAC 0.00007.
gnomAD v4.1: 20 of 1,614,190 alleles (0.0012%); highest among the groups gnomAD compares: South Asian, 0.019%; no homozygotes.

Submissions (2):

Ambry Genetics
Classification: Uncertain significance. Last evaluated: 2024-11-11. Review status: criteria provided, single submitter. Criteria: Ambry Variant Classification Scheme 2023. Collection method: clinical testing. Allele origin: germline.

Neuberg Centre For Genomic Medicine, NCGM
Classification: Uncertain significance for Pulmonary fibrosis and/or bone marrow failure, telomere-related, 6. Review status: criteria provided, single submitter. Criteria: ACMG Guidelines, 2015. Collection method: clinical testing. Allele origin: germline. Inheritance: Autosomal dominant inheritance. Affected: yes.
Comment: The missense c.1313G>Ap.Ser438Asn variant in RPA1 gene has not been reported previously as a pathogenic variant nor as a benign variant, to our knowledge. The variant is reported with an allele frequency of 0.005% in the gnomAD exomes database and is novel not in any individuals in 1000 Genomes database. This variant has not been reported to the ClinVar database. The amino acid change p.Ser438Asn in RPA1 is predicted as conserved by GERP++ and PhyloP across 100 vertebrates. The amino acid Ser at position 438 is changed to a Asn changing protein sequence and it might alter its composition and physico-chemical properties. For these reasons, this variant has been classified as Variant of Uncertain Significance VUS.